The following is an entry in ClinVar:

NM_004369.4(COL6A3):c.3625A>G (p.Thr1209Ala)

Gene: COL6A3 (collagen type VI alpha 3 chain; minus strand). Cytogenetic location: 2q37.3.
Variant type: single nucleotide variant.
Coding change: c.3625A>G on transcript NM_004369.4 (MANE Select); coding-DNA position 3625, A replaced by G.
Protein change: p.Thr1209Ala; replaces threonine 1209 with alanine.
Molecular consequence: missense variant.
Genome position (GRCh38, 1-based): chr2:237,374,466, T>C on the plus strand (A>G on the coding strand, the complement: COL6A3 is on the minus strand). VCF-style: chr2-237374466-T-C. GRCh37 (hg19) VCF-style: chr2-238283109-T-C.
Other names: c.2404A>G, p.Thr802Ala (NM_057164.5); c.3007A>G, p.Thr1003Ala (NM_057165.5, NM_057167.4); c.1804A>G, p.Thr602Ala (NM_057166.5); short protein forms T1209A, T802A, T602A, T1003A.
Identifiers: ClinVar variation 4779480 (VCV004779480.1).
Genomic context (GRCh38, chr2:237,374,466, plus strand): 5'-GCGTACCTGGGCTCGGTAGAGGCTGCAACACCGGCTGCAGCCTGCTCAGCTCCTCGCGGG[T>C]GAGCTGGGTCACCCTCTCAGAGATGACCTGTTGGACGGTCCCCAGCTGGCGAAAGGTGGG-3'
Protein context (NP_004360.2, residues 1199-1219): QVISERVTQL[Thr1209Ala]REELSRLQPV

ClinVar aggregate classification (germline): Uncertain significance (1 of 4 stars; one submission).

Conditions:
Bethlem myopathy 1A. Also called: Bethlem myopathy 1; Bethlem Muscular Dystrophy; MYOPATHY, BENIGN CONGENITAL, WITH CONTRACTURES. Identifiers: Orphanet 610, MedGen CN029274, MONDO:0024530, OMIM 158810.

Submission:

Labcorp Genetics (formerly Invitae), Labcorp
Classification: Uncertain significance for Bethlem myopathy 1A. Last evaluated: 2025-09-08. Review status: criteria provided, single submitter. Criteria: Invitae Variant Classification Sherloc (09022015). Collection method: clinical testing. Allele origin: germline.
Comment: This sequence change replaces threonine, which is neutral and polar, with alanine, which is neutral and non-polar, at codon 1209 of the COL6A3 protein (p.Thr1209Ala). This variant is not present in population databases (gnomAD no frequency). This variant has not been reported in the literature in individuals affected with COL6A3-related conditions. Invitae Evidence Modeling of protein sequence and biophysical properties (such as structural, functional, and spatial information, amino acid conservation, physicochemical variation, residue mobility, and thermodynamic stability) indicates that this missense variant is not expected to disrupt COL6A3 protein function with a negative predictive value of 95%. In summary, the available evidence is currently insufficient to determine the role of this variant in disease. Therefore, it has been classified as a Variant of Uncertain Significance.